The following is an entry in ClinVar:

ClinVar aggregate classification (germline): Likely benign. Review status: criteria provided, multiple submitters, no conflicts (2 of 4 stars). 3 submissions from 3 submitters: Likely benign (3). Last evaluated 2026-07-01.

Allele frequency attached by ClinVar (database versions not stated): gnomAD 0.00001; gnomAD exomes 0.00002; ExAC 0.00003; ESP Exome Variant Server 0.00008.
gnomAD v4.1: 7 of 1,611,796 alleles (0.00043%); highest among the groups gnomAD compares: Admixed American, 0.005%; no homozygotes.

Submissions (3):

CeGaT Center for Human Genetics Tuebingen
Classification: Likely benign. Last evaluated: 2026-07-01. Review status: criteria provided, single submitter. Criteria: CeGaT Center For Human Genetics Tuebingen Variant Classification Criteria Version 2. Collection method: clinical testing. Allele origin: germline. Affected: yes. Observed: 1 variant allele.
Comment: PACS2: BP4, BP7

Labcorp Genetics (formerly Invitae), Labcorp
Classification: Likely benign. Last evaluated: 2025-08-14. Review status: criteria provided, single submitter. Criteria: Invitae Variant Classification Sherloc (09022015). Collection method: clinical testing. Allele origin: germline.

Blueprint Genetics
Classification: Likely benign. Last evaluated: 2021-03-10. Review status: criteria provided, single submitter. Criteria: ACMG Guidelines, 2015. Collection method: clinical testing. Allele origin: germline.

NM_001100913.3(PACS2):c.1254C>T (p.Val418=)

Gene: PACS2 (phosphofurin acidic cluster sorting protein 2; plus strand). Cytogenetic location: 14q32.33.
Variant type: single nucleotide variant.
Coding change: c.1254C>T on transcript NM_001100913.3 (MANE Select); coding-DNA position 1254, C replaced by T.
Protein change: p.Val418=; no amino-acid change (valine 418 retained).
Molecular consequence: synonymous variant.
Genome position (GRCh38, 1-based): chr14:105,381,085, C>T. VCF-style: chr14-105381085-C-T. GRCh37 (hg19) VCF-style: chr14-105847422-C-T.
Other names: c.1029C>T, p.Val343= (NM_001243127.3); c.1254C>T, p.Val418= (NM_015197.4).
Identifiers: ClinVar variation 1531731 (VCV001531731.11), dbSNP rs371645229, ClinGen allele CA7388757.